The following is an entry in ClinVar:

ClinVar aggregate classification (germline): Likely benign (1 of 4 stars; one submission).

Allele frequency attached by ClinVar (database versions not stated): gnomAD 0.00006; ExAC 0.00008; ESP Exome Variant Server 0.00008.

Submission:

CeGaT Center for Human Genetics Tuebingen
Classification: Likely benign. Last evaluated: 2025-11-01. Review status: criteria provided, single submitter. Criteria: CeGaT Center For Human Genetics Tuebingen Variant Classification Criteria Version 2. Collection method: clinical testing. Allele origin: germline. Affected: yes. Observed: 2 variant alleles.
Comment: TOGARAM1: BP4, BP7

NM_001308120.2(TOGARAM1):c.1047G>C (p.Gly349=)

Gene: TOGARAM1 (TOG array regulator of axonemal microtubules 1; plus strand). Cytogenetic location: 14q21.2.
Variant type: single nucleotide variant.
Coding change: c.1047G>C on transcript NM_001308120.2 (MANE Select); coding-DNA position 1047, G replaced by C.
Protein change: p.Gly349=; no amino-acid change (glycine 349 retained).
Molecular consequence: synonymous variant. On other transcripts: non-coding transcript variant (1).
Genome position (GRCh38, 1-based): chr14:44,963,468, G>C. VCF-style: chr14-44963468-G-C. GRCh37 (hg19) VCF-style: chr14-45432671-G-C.
Other names: c.1047G>C, p.Gly349= (NM_015091.4).
Identifiers: ClinVar variation 2644198 (VCV002644198.24), dbSNP rs146726595, ClinGen allele CA7167000.